The following is an entry in ClinVar:

ClinVar aggregate classification (germline): Likely benign. Review status: criteria provided, multiple submitters, no conflicts (2 of 4 stars). 3 submissions from 3 submitters: Likely benign (3). Last evaluated 2025-05-28.

Conditions:
Hereditary cancer-predisposing syndrome. Also called: Neoplastic Syndromes, Hereditary; Tumor predisposition; Hereditary Cancer Syndrome; Hereditary neoplastic syndrome. Identifiers: Orphanet 140162, MedGen C0027672, MeSH D009386, MONDO:0015356.
Neurofibromatosis, type 2 (SWNV). Also called: BILATERAL ACOUSTIC NEUROFIBROMATOSIS; SCHWANNOMATOSIS, VESTIBULAR; NF2-Related Schwannomatosis. Identifiers: Orphanet 637, MedGen C0027832, MONDO:0007039, OMIM 101000. Disease mechanism: loss of function.

Allele frequency attached by ClinVar (database versions not stated): gnomAD exomes below 0.00001.
gnomAD v4.1: 2 of 1,614,160 alleles (0.00012%); highest among the groups gnomAD compares: Non-Finnish European, 0.00017%; no homozygotes.

Submissions (3):

Labcorp Genetics (formerly Invitae), Labcorp
Classification: Likely benign for Neurofibromatosis, type 2. Last evaluated: 2025-05-28. Review status: criteria provided, single submitter. Criteria: Invitae Variant Classification Sherloc (09022015). Collection method: clinical testing. Allele origin: germline.

All of Us Research Program, National Institutes of Health
Classification: Likely benign for Neurofibromatosis, type 2. Last evaluated: 2023-06-26. Review status: criteria provided, single submitter. Criteria: ACMG Guidelines, 2015. Collection method: clinical testing. Allele origin: germline. Inheritance: Autosomal dominant inheritance. Observed: 2 variant alleles, 2 heterozygotes.
Comment: This study involves interpretation of variants in research participants for the purpose of population health screening. Participant phenotype was not available at the time of variant classification. Additional details can be found in publication PMID: 35346344, PMCID: PMC8962531

Ambry Genetics
Classification: Likely benign for Hereditary cancer-predisposing syndrome. Last evaluated: 2021-06-30. Review status: criteria provided, single submitter. Criteria: Ambry Variant Classification Scheme 2023. Collection method: clinical testing. Allele origin: germline.

NM_000268.4(NF2):c.183C>T (p.Phe61=)

Gene: NF2 (NF2, moesin-ezrin-radixin like (MERLIN) tumor suppressor; plus strand). Cytogenetic location: 22q12.2.
Variant type: single nucleotide variant.
Coding change: c.183C>T on transcript NM_000268.4 (MANE Select); coding-DNA position 183, C replaced by T.
Protein change: p.Phe61=; no amino-acid change (phenylalanine 61 retained).
Molecular consequence: synonymous variant. On other transcripts: non-coding transcript variant (1), intron variant (3).
Genome position (GRCh38, 1-based): chr22:29,636,819, C>T. VCF-style: chr22-29636819-C-T. GRCh37 (hg19) VCF-style: chr22-30032808-C-T.
Other names: c.183C>T, p.Phe61= (NM_016418.5, NM_181825.3, NM_181829.3 and 2 more transcripts); c.115-2271C>T (NM_181828.3); c.115-5383C>T (NM_181830.3, NM_181831.3).
Identifiers: ClinVar variation 1094957 (VCV001094957.12), dbSNP rs2146853392, ClinGen allele CA514191230.